The following is an entry in ClinVar:

NM_022828.5(YTHDC2):c.1693A>T (p.Thr565Ser)

Gene: YTHDC2 (YTH N6-methyladenosine RNA binding protein C2; plus strand). Cytogenetic location: 5q22.2.
Variant type: single nucleotide variant.
Coding change: c.1693A>T on transcript NM_022828.5 (MANE Select); coding-DNA position 1693, A replaced by T.
Protein change: p.Thr565Ser; replaces threonine 565 with serine.
Molecular consequence: missense variant.
Genome position (GRCh38, 1-based): chr5:113,553,185, A>T. VCF-style: chr5-113553185-A-T. GRCh37 (hg19) VCF-style: chr5-112888882-A-T.
Other names: NC_000005.9:g.112888882A>T; c.1207A>T, p.Thr403Ser (NM_001345975.2); c.793A>T, p.Thr265Ser (NM_001345976.2); short protein forms T265S, T403S, T565S.
Identifiers: ClinVar variation 3059449 (VCV003059449.3), dbSNP rs72805422, ClinGen allele CA3371916.

ClinVar aggregate classification (germline): Benign (0 of 4 stars; one submission).

Conditions:
YTHDC2-related disorder. Also called: YTHDC2-related condition.

Allele frequency attached by ClinVar (database versions not stated): ExAC 0.06001; ESP Exome Variant Server 0.28839; gnomAD 0.31467; 1000 Genomes Project 0.32827; 1000 Genomes Project 30x 0.33588.
gnomAD v4.1: 262,274 of 1,385,102 alleles (19%); highest among the groups gnomAD compares: African/African-American, 57%; 34,252 homozygotes.

Submissions (10):

PreventionGenetics, part of Exact Sciences
Classification: Benign for YTHDC2-related condition. Last evaluated: 2019-10-18. Review status: no assertion criteria provided. Collection method: clinical testing. Allele origin: germline.
Comment: This variant is classified as benign based on ACMG/AMP sequence variant interpretation guidelines (Richards et al. 2015 PMID: 25741868, with internal and published modifications).

Dr. Peter K. Rogan Lab, Western University
No classification provided (evidence only). Condition: Colorectal cancer. Review status: no classification provided. Collection method: in vitro. Allele origin: not applicable. Functional consequence: retained intron. Not counted in ClinVar's aggregate classification.

Dr. Peter K. Rogan Lab, Western University
No classification provided (evidence only). Condition: Colorectal cancer. Review status: no classification provided. Collection method: in vitro. Allele origin: not applicable. Functional consequence: retained intron. Not counted in ClinVar's aggregate classification.

Dr. Peter K. Rogan Lab, Western University
No classification provided (evidence only). Condition: Colorectal cancer. Review status: no classification provided. Collection method: in vitro. Allele origin: not applicable. Functional consequence: retained intron. Not counted in ClinVar's aggregate classification.

Dr. Peter K. Rogan Lab, Western University
No classification provided (evidence only). Condition: Malignant lymphoma, large B-cell, diffuse. Review status: no classification provided. Collection method: in vitro. Allele origin: not applicable. Functional consequence: retained intron. Not counted in ClinVar's aggregate classification.

Dr. Peter K. Rogan Lab, Western University
No classification provided (evidence only). Condition: Malignant lymphoma, large B-cell, diffuse. Review status: no classification provided. Collection method: in vitro. Allele origin: not applicable. Functional consequence: retained intron. Not counted in ClinVar's aggregate classification.

Dr. Peter K. Rogan Lab, Western University
No classification provided (evidence only). Condition: Malignant lymphoma, large B-cell, diffuse. Review status: no classification provided. Collection method: in vitro. Allele origin: not applicable. Functional consequence: retained intron. Not counted in ClinVar's aggregate classification.

Dr. Peter K. Rogan Lab, Western University
No classification provided (evidence only). Condition: Malignant lymphoma, large B-cell, diffuse. Review status: no classification provided. Collection method: in vitro. Allele origin: not applicable. Functional consequence: retained intron. Not counted in ClinVar's aggregate classification.

Dr. Peter K. Rogan Lab, Western University
No classification provided (evidence only). Condition: Uterine carcinosarcoma. Review status: no classification provided. Collection method: in vitro. Allele origin: not applicable. Functional consequence: retained intron. Not counted in ClinVar's aggregate classification.

Dr. Peter K. Rogan Lab, Western University
No classification provided (evidence only). Condition: Uterine carcinosarcoma. Review status: no classification provided. Collection method: in vitro. Allele origin: not applicable. Functional consequence: retained intron. Not counted in ClinVar's aggregate classification.